The following is an entry in ClinVar:

NM_014283.5(SUCO):c.3323A>G (p.Lys1108Arg)

Gene: SUCO (SUN domain containing ossification factor; plus strand). Cytogenetic location: 1q24.3.
Variant type: single nucleotide variant.
Coding change: c.3323A>G on transcript NM_014283.5 (MANE Select); coding-DNA position 3323, A replaced by G.
Protein change: p.Lys1108Arg; replaces lysine 1108 with arginine.
Molecular consequence: missense variant.
Genome position (GRCh38, 1-based): chr1:172,609,817, A>G. VCF-style: chr1-172609817-A-G. GRCh37 (hg19) VCF-style: chr1-172578957-A-G.
Other names: c.2210A>G, p.Lys737Arg (NM_001282750.2); c.1634A>G, p.Lys545Arg (NM_001282751.2); c.3776A>G, p.Lys1259Arg (NM_016227.4); short protein forms K1108R, K1259R, K545R, K737R.
Identifiers: ClinVar variation 2914824 (VCV002914824.3), dbSNP rs745612675, ClinGen allele CA1247339.

ClinVar aggregate classification (germline): Uncertain significance (1 of 4 stars; one submission).

Allele frequency attached by ClinVar (database versions not stated): TOPMed 0.00002; gnomAD exomes 0.00002; ExAC 0.00004.
gnomAD v4.1: 9 of 1,590,032 alleles (0.00057%); highest among the groups gnomAD compares: Admixed American, 0.017%; no homozygotes.

Submission:

Labcorp Genetics (formerly Invitae), Labcorp
Classification: Uncertain significance. Last evaluated: 2025-11-21. Review status: criteria provided, single submitter. Criteria: Invitae Variant Classification Sherloc (09022015). Collection method: clinical testing. Allele origin: germline.
Comment: This sequence change replaces lysine, which is basic and polar, with arginine, which is basic and polar, at codon 1108 of the SUCO protein (p.Lys1108Arg). This variant is present in population databases (rs745612675, gnomAD 0.04%). This variant has not been reported in the literature in individuals affected with SUCO-related conditions. ClinVar contains an entry for this variant (Variation ID: 2914824). An algorithm developed to predict the effect of missense changes on protein structure and function (PolyPhen-2) suggests that this variant is likely to be disruptive. In summary, the available evidence is currently insufficient to determine the role of this variant in disease. Therefore, it has been classified as a Variant of Uncertain Significance.